The following is an entry in ClinVar:

NM_004586.3(RPS6KA3):c.772A>G (p.Met258Val)

Gene: RPS6KA3 (ribosomal protein S6 kinase A3; minus strand). Cytogenetic location: Xp22.12.
Variant type: single nucleotide variant.
Coding change: c.772A>G on transcript NM_004586.3 (MANE Select); coding-DNA position 772, A replaced by G.
Protein change: p.Met258Val; replaces methionine 258 with valine.
Molecular consequence: missense variant.
Genome position (GRCh38, 1-based): chrX:20,187,830, T>C on the plus strand (A>G on the coding strand, the complement: RPS6KA3 is on the minus strand). VCF-style: chrX-20187830-T-C. GRCh37 (hg19) VCF-style: chrX-20205948-T-C.
Other names: short protein forms M258V.
Identifiers: ClinVar variation 1378311 (VCV001378311.6), dbSNP rs2148686350, ClinGen allele CA412507949.

ClinVar aggregate classification (germline): Uncertain significance (1 of 4 stars; one submission).

Conditions:
Intellectual developmental disorder, X-linked 19. Also called: Intellectual disability, X-linked 19. Identifiers: Orphanet 777, MedGen C0796225, MONDO:0010447, OMIM 300844.
Coffin-Lowry syndrome (CLS). Also called: COFFIN-LOWRY SYNDROME, MILD; Mental retardation with osteocartilaginous abnormalities. Identifiers: Orphanet 192, MedGen C0265252, MONDO:0010561, OMIM 303600.

Submission:

Labcorp Genetics (formerly Invitae), Labcorp
Classification: Uncertain significance for Coffin-Lowry syndrome; Intellectual developmental disorder, X-linked 19. Last evaluated: 2021-09-01. Review status: criteria provided, single submitter. Criteria: Invitae Variant Classification Sherloc (09022015). Collection method: clinical testing. Allele origin: germline.
Comment: This sequence change replaces methionine with valine at codon 258 of the RPS6KA3 protein (p.Met258Val). The methionine residue is highly conserved and there is a small physicochemical difference between methionine and valine. This variant is not present in population databases (ExAC no frequency). This variant has not been reported in the literature in individuals affected with RPS6KA3-related conditions. Algorithms developed to predict the effect of missense changes on protein structure and function are either unavailable or do not agree on the potential impact of this missense change (SIFT: "Deleterious"; PolyPhen-2: "Benign"; Align-GVGD: "Class C0"). Algorithms developed to predict the effect of sequence changes on RNA splicing suggest that this variant may create or strengthen a splice site. In summary, the available evidence is currently insufficient to determine the role of this variant in disease. Therefore, it has been classified as a Variant of Uncertain Significance.